The following is an entry in ClinVar:

ClinVar aggregate classification (germline): Pathogenic. Review status: criteria provided, single submitter (1 of 4 stars). 2 submissions from 2 submitters: Pathogenic (1). 1 of the submissions does not count toward it. Last evaluated 2023-08-09.

Conditions:
Glycine encephalopathy. Also called: Nonketotic hyperglycinemia; Non-ketotic hyperglycinemia. Identifiers: Orphanet 407, MedGen C0751748, MONDO:0011612, HP:0008288.

Submissions (2):

Labcorp Genetics (formerly Invitae), Labcorp
Classification: Pathogenic for Glycine encephalopathy. Last evaluated: 2023-08-09. Review status: criteria provided, single submitter. Criteria: Invitae Variant Classification Sherloc (09022015). Collection method: clinical testing. Allele origin: germline.
Comment: This sequence change creates a premature translational stop signal (p.Gln886*) in the GLDC gene. It is expected to result in an absent or disrupted protein product. Loss-of-function variants in GLDC are known to be pathogenic (PMID: 16601880). This variant is not present in population databases (gnomAD no frequency). This premature translational stop signal has been observed in individual(s) with glycine encephalopathy (PMID: 15670722). ClinVar contains an entry for this variant (Variation ID: 56086). For these reasons, this variant has been classified as Pathogenic.

Juha Muilu Group; Institute for Molecular Medicine Finland (FIMM)
Classification: Likely pathogenic for Non-ketotic hyperglycinemia. Review status: no assertion criteria provided. Collection method: not provided. Allele origin: unknown. Not counted in ClinVar's aggregate classification.
Comment: FinDis database variant: This variant was not found or characterized by our laboratory, data were collected from public sources: see reference
ClinVar note: Converted during submission from probable-pathogenic to Likely pathogenic.

Literature cited by the submitters: PubMed 16601880 (cited by Labcorp Genetics (formerly Invitae), Labcorp); PubMed 15670722 (cited by Labcorp Genetics (formerly Invitae), Labcorp).

NM_000170.3(GLDC):c.2656C>T (p.Gln886Ter)

Gene: GLDC (glycine decarboxylase; minus strand). Cytogenetic location: 9p24.1.
Variant type: single nucleotide variant.
Coding change: c.2656C>T on transcript NM_000170.3 (MANE Select); coding-DNA position 2656, C replaced by T.
Protein change: p.Gln886Ter; replaces glutamine 886 with a stop codon.
Molecular consequence: nonsense.
Genome position (GRCh38, 1-based): chr9:6,540,060, G>A on the plus strand (C>T on the coding strand, the complement: GLDC is on the minus strand). VCF-style: chr9-6540060-G-A. GRCh37 (hg19) VCF-style: chr9-6540060-G-A.
Other names: short protein forms Q886*.
Identifiers: ClinVar variation 56086 (VCV000056086.5), dbSNP rs386833567, ClinGen allele CA263395.